The following is an entry in ClinVar:

ClinVar aggregate classification (germline): Uncertain significance. Review status: criteria provided, multiple submitters, no conflicts (2 of 4 stars). 2 submissions from 2 submitters: Uncertain significance (2). Last evaluated 2025-10-23.

Conditions:
Hereditary cancer-predisposing syndrome. Also called: Tumor predisposition; Hereditary Cancer Syndrome; Hereditary neoplastic syndrome; Neoplastic Syndromes, Hereditary. Identifiers: Orphanet 140162, MedGen C0027672, MeSH D009386, MONDO:0015356.
Familial cancer of breast. Also called: hereditary breast carcinoma; Hereditary breast cancer; BREAST CANCER, FAMILIAL. Identifiers: Orphanet 227535, MedGen C0346153, MONDO:0016419, OMIM 114480. Disease mechanism: loss of function.

Submissions (2):

Ambry Genetics
Classification: Uncertain significance for Hereditary cancer-predisposing syndrome. Last evaluated: 2025-10-23. Review status: criteria provided, single submitter. Criteria: Ambry Variant Classification Scheme 2023. Collection method: clinical testing. Allele origin: germline.
Comment: The p.A518T variant (also known as c.1552G>A), located in coding exon 6 of the BARD1 gene, results from a G to A substitution at nucleotide position 1552. The alanine at codon 518 is replaced by threonine, an amino acid with similar properties. This variant was observed in 1/287 patients with hereditary breast and/or ovarian cancer; this patient was diagnosed with breast cancer (Caminsky NG et al. Hum Mutat, 2016 07;37:640-52). This amino acid position is highly conserved in available vertebrate species. In addition, this alteration is predicted to be deleterious by in silico analysis. Since supporting evidence is limited at this time, the clinical significance of this alteration remains unclear.

Labcorp Genetics (formerly Invitae), Labcorp
Classification: Uncertain significance for Familial cancer of breast. Last evaluated: 2025-02-03. Review status: criteria provided, single submitter. Criteria: Invitae Variant Classification Sherloc (09022015). Collection method: clinical testing. Allele origin: germline.
Comment: This sequence change replaces alanine, which is neutral and non-polar, with threonine, which is neutral and polar, at codon 518 of the BARD1 protein (p.Ala518Thr). This variant is not present in population databases (gnomAD no frequency). This missense change has been observed in individual(s) with breast and/or ovarian cancer (PMID: 26898890). ClinVar contains an entry for this variant (Variation ID: 1479547). An algorithm developed to predict the effect of missense changes on protein structure and function (PolyPhen-2) suggests that this variant is likely to be disruptive. In summary, the available evidence is currently insufficient to determine the role of this variant in disease. Therefore, it has been classified as a Variant of Uncertain Significance.

Literature cited by the submitters: PubMed 26898890 (cited by Ambry Genetics and Labcorp Genetics (formerly Invitae), Labcorp).

NM_000465.4(BARD1):c.1552G>A (p.Ala518Thr)

Gene: BARD1 (BRCA1 associated RING domain 1; minus strand). Cytogenetic location: 2q35.
Variant type: single nucleotide variant.
Coding change: c.1552G>A on transcript NM_000465.4 (MANE Select); coding-DNA position 1552, G replaced by A.
Protein change: p.Ala518Thr; replaces alanine 518 with threonine.
Molecular consequence: missense variant. On other transcripts: non-coding transcript variant (3), intron variant (3).
Genome position (GRCh38, 1-based): chr2:214,767,498, C>T on the plus strand (G>A on the coding strand, the complement: BARD1 is on the minus strand). VCF-style: chr2-214767498-C-T. GRCh37 (hg19) VCF-style: chr2-215632222-C-T.
Other names: c.1495G>A, p.Ala499Thr (NM_001282543.2); c.159-14943G>A (NM_001282548.2); c.216-14943G>A (NM_001282545.2); c.364+24799G>A (NM_001282549.2); short protein forms A518T, A499T.
Identifiers: ClinVar variation 1479547 (VCV001479547.12), dbSNP rs867639431, ClinGen allele CA64779863.